The following is an entry in ClinVar:

ClinVar aggregate classification (germline): Conflicting classifications of pathogenicity. Review status: criteria provided, conflicting classifications (1 of 4 stars). 3 submissions from 3 submitters: Pathogenic (1); Uncertain significance (2). Last evaluated 2025-06-13.

Conditions:
Hereditary spastic paraplegia 8 (SPG8). Also called: SPASTIC PARAPLEGIA 8, AUTOSOMAL DOMINANT. Identifiers: Orphanet 100989, MedGen C1863704, MONDO:0011339, OMIM 603563.
Ritscher-Schinzel syndrome 1 (RTSC1). Identifiers: Orphanet 7, MedGen C4551776, MONDO:0009073, OMIM 220210.

Allele frequency attached by ClinVar (database versions not stated): gnomAD exomes below 0.00001 and 0.00001; ExAC 0.00001.
gnomAD v4.1: 5 of 1,613,686 alleles (0.00031%); highest among the groups gnomAD compares: Non-Finnish European, 0.00042%; no homozygotes.

Submissions (3):

Mayo Clinic Laboratories, Mayo Clinic
Classification: Uncertain significance. Last evaluated: 2025-06-13. Review status: criteria provided, single submitter. Criteria: ACMG Guidelines, 2015. Collection method: clinical testing. Allele origin: germline. Observed: 1 variant allele.
Comment: PVS1

GeneDx
Classification: Uncertain significance. Last evaluated: 2023-12-16. Review status: criteria provided, single submitter. Criteria: GeneDx Variant Classification Process June 2021. Collection method: clinical testing. Allele origin: germline. Affected: yes.
Comment: Not observed at significant frequency in large population cohorts (gnomAD); Nonsense variant predicted to result in protein truncation or nonsense mediated decay in a gene or region of a gene for which loss of function is not a well-established mechanism of disease; Has not been previously published as pathogenic or benign to our knowledge

Labcorp Genetics (formerly Invitae), Labcorp
Classification: Pathogenic for Dandy-Walker like malformation with atrioventricular septal defect; Spastic paraplegia 8. Last evaluated: 2018-03-29. Review status: criteria provided, single submitter. Criteria: Invitae Variant Classification Sherloc (09022015). Collection method: clinical testing. Allele origin: germline.
Comment: This sequence change creates a premature translational stop signal (p.Arg228*) in the WASHC5 gene. It is expected to result in an absent or disrupted protein product. This variant is present in population databases (rs754463353, ExAC 0.001%). This variant has not been reported in the literature in individuals with WASHC5-related disease. Loss-of-function variants in WASHC5 are known to be pathogenic (PMID: 24065355). For these reasons, this variant has been classified as Pathogenic.

NM_014846.4(WASHC5):c.682C>T (p.Arg228Ter)

Gene: WASHC5 (WASH complex subunit 5; minus strand). Cytogenetic location: 8q24.13.
Variant type: single nucleotide variant.
Coding change: c.682C>T on transcript NM_014846.4 (MANE Select); coding-DNA position 682, C replaced by T.
Protein change: p.Arg228Ter; replaces arginine 228 with a stop codon.
Molecular consequence: nonsense.
Genome position (GRCh38, 1-based): chr8:125,078,767, G>A on the plus strand (C>T on the coding strand, the complement: WASHC5 is on the minus strand). VCF-style: chr8-125078767-G-A. GRCh37 (hg19) VCF-style: chr8-126091009-G-A.
Other names: p.Arg228*; c.238C>T, p.Arg80Ter (NM_001330609.2); short protein forms R228*, R80*.
Identifiers: ClinVar variation 583269 (VCV000583269.3), dbSNP rs754463353, ClinGen allele CA4874051.